The following is an entry in ClinVar:

NM_012233.3(RAB3GAP1):c.1598G>A (p.Gly533Glu)

Gene: RAB3GAP1 (RAB3 GTPase activating protein catalytic subunit 1; plus strand). Cytogenetic location: 2q21.3.
Variant type: single nucleotide variant.
Coding change: c.1598G>A on transcript NM_012233.3 (MANE Select); coding-DNA position 1598, G replaced by A.
Protein change: p.Gly533Glu; replaces glycine 533 with glutamic acid.
Molecular consequence: missense variant.
Genome position (GRCh38, 1-based): chr2:135,135,607, G>A. VCF-style: chr2-135135607-G-A. GRCh37 (hg19) VCF-style: chr2-135893177-G-A.
Other names: c.1598G>A, p.Gly533Glu (NM_001172435.2); short protein forms G533E.
Identifiers: ClinVar variation 2057726 (VCV002057726.4), dbSNP rs1386421779, ClinGen allele CA348576821.
Genomic context (GRCh38, chr2:135,135,607, plus strand): 5'-ATTTCTCTTTTCTTAAGATGTTAAATTGTTGTATTGAAAGAAAGAAGGCACGTGATGAGG[G>A]GAAAAAGACAAGTGCTTCAGATGTCACTAATATATATCCAGGGGATGCTGGAAAAGCAGG-3'
Protein context (NP_036365.1, residues 523-543): CIERKKARDE[Gly533Glu]KKTSASDVTN

ClinVar aggregate classification (germline): Uncertain significance (1 of 4 stars; one submission).

Allele frequency attached by ClinVar (database versions not stated): gnomAD 0.00001; gnomAD exomes 0.00001; TOPMed 0.00001.
gnomAD v4.1: 10 of 1,608,752 alleles (0.00062%); highest among the groups gnomAD compares: Admixed American, 0.015%; no homozygotes.

Submission:

Labcorp Genetics (formerly Invitae), Labcorp
Classification: Uncertain significance. Last evaluated: 2024-10-24. Review status: criteria provided, single submitter. Criteria: Invitae Variant Classification Sherloc (09022015). Collection method: clinical testing. Allele origin: germline.
Comment: This sequence change replaces glycine, which is neutral and non-polar, with glutamic acid, which is acidic and polar, at codon 533 of the RAB3GAP1 protein (p.Gly533Glu). The frequency data for this variant in the population databases is considered unreliable, as metrics indicate poor data quality at this position in the gnomAD database. This variant has not been reported in the literature in individuals affected with RAB3GAP1-related conditions. ClinVar contains an entry for this variant (Variation ID: 2057726). Invitae Evidence Modeling of protein sequence and biophysical properties (such as structural, functional, and spatial information, amino acid conservation, physicochemical variation, residue mobility, and thermodynamic stability) indicates that this missense variant is not expected to disrupt RAB3GAP1 protein function with a negative predictive value of 80%. In summary, the available evidence is currently insufficient to determine the role of this variant in disease. Therefore, it has been classified as a Variant of Uncertain Significance.